The following is an entry in ClinVar:

ClinVar aggregate classification (germline): Uncertain significance. Review status: criteria provided, multiple submitters, no conflicts (2 of 4 stars). 6 submissions from 6 submitters: Uncertain significance (6). Last evaluated 2026-01-26.

Conditions:
POT1-related disorder. Also called: POT1-related condition.
Tumor predisposition syndrome 3 (TPDS3). Also called: Melanoma, cutaneous malignant, susceptibility to, 10; Glioma susceptibility 9; LONG TELOMERE SYNDROME, POT1-RELATED; POT1 Tumor Predisposition. Identifiers: Orphanet 618, MedGen C4014476, MONDO:0014368, OMIM 615848.
Hereditary cancer-predisposing syndrome. Also called: Neoplastic Syndromes, Hereditary; Hereditary Cancer Syndrome; Tumor predisposition; Hereditary neoplastic syndrome. Identifiers: Orphanet 140162, MedGen C0027672, MeSH D009386, MONDO:0015356.

Allele frequency attached by ClinVar (database versions not stated): gnomAD 0.00002 and 0.00001; TOPMed 0.00002; gnomAD exomes below 0.00001 and 0.00001; ExAC 0.00001.
gnomAD v4.1: 17 of 1,543,158 alleles (0.0011%); highest among the groups gnomAD compares: East Asian, 0.015%; no homozygotes.

Submissions (6):

Labcorp Genetics (formerly Invitae), Labcorp
Classification: Uncertain significance for Tumor predisposition syndrome 3. Last evaluated: 2026-01-26. Review status: criteria provided, single submitter. Criteria: Invitae Variant Classification Sherloc (09022015). Collection method: clinical testing. Allele origin: germline.
Comment: This sequence change replaces valine, which is neutral and non-polar, with isoleucine, which is neutral and non-polar, at codon 25 of the POT1 protein (p.Val25Ile). The frequency data for this variant in the population databases is considered unreliable, as metrics indicate poor data quality at this position in the gnomAD database. This variant has not been reported in the literature in individuals affected with POT1-related conditions. ClinVar contains an entry for this variant (Variation ID: 475098). Invitae Evidence Modeling of protein sequence and biophysical properties (such as structural, functional, and spatial information, amino acid conservation, physicochemical variation, residue mobility, and thermodynamic stability) indicates that this missense variant is not expected to disrupt POT1 protein function with a negative predictive value of 80%. In summary, the available evidence is currently insufficient to determine the role of this variant in disease. Therefore, it has been classified as a Variant of Uncertain Significance.

PreventionGenetics, part of Exact Sciences
Classification: Uncertain significance for POT1-related condition. Last evaluated: 2025-12-31. Review status: criteria provided, single submitter. Criteria: ACMG Guidelines, 2015. Collection method: clinical testing. Allele origin: germline.
Comment: The POT1 c.73G>A variant is predicted to result in the amino acid substitution p.Val25Ile. To our knowledge, this variant has not been reported in the literature. This variant is reported in 0.015% of alleles in individuals of East Asian descent in gnomAD. This variant is interpreted as uncertain in ClinVar (Variation ID: 475098). At this time, the clinical significance of this variant is uncertain due to the absence of conclusive functional and genetic evidence.

Ambry Genetics
Classification: Uncertain significance for Hereditary cancer-predisposing syndrome. Last evaluated: 2025-04-20. Review status: criteria provided, single submitter. Criteria: Ambry Variant Classification Scheme 2023. Collection method: clinical testing. Allele origin: germline.

Center for Genomic Medicine, Rigshospitalet, Copenhagen University Hospital
Classification: Uncertain significance. Last evaluated: 2025-03-04. Review status: criteria provided, single submitter. Criteria: ACMG Guidelines, 2015. Collection method: clinical testing. Allele origin: germline.

Quest Diagnostics Nichols Institute San Juan Capistrano
Classification: Uncertain significance. Last evaluated: 2024-07-29. Review status: criteria provided, single submitter. Criteria: Quest Diagnostics criteria. Collection method: clinical testing. Allele origin: unknown.
Comment: The POT1 c.73G>A (p.Val25Ile) variant has not been reported in individuals with POT1-related conditions in the published literature. The frequency of this variant in the general population, 0.000009 (2/222720 chromosomes (Genome Aggregation Database)), is uninformative in the assessment of its pathogenicity. Analysis of this variant using bioinformatics tools for the prediction of the effect of amino acid changes on protein structure and function yielded predictions that this variant is benign. Based on the available information, we are unable to determine the clinical significance of this variant.

GeneDx
Classification: Uncertain significance. Last evaluated: 2024-07-05. Review status: criteria provided, single submitter. Criteria: GeneDx Variant Classification Process June 2021. Collection method: clinical testing. Allele origin: germline. Affected: yes.
Comment: Not observed at significant frequency in large population cohorts (gnomAD); In silico analysis supports that this missense variant does not alter protein structure/function; Has not been previously published as pathogenic or benign to our knowledge; This variant is associated with the following publications: (PMID: 28393830)

NM_015450.3(POT1):c.73G>A (p.Val25Ile)

Gene: POT1 (protection of telomeres 1; minus strand). Cytogenetic location: 7q31.33.
Variant type: single nucleotide variant.
Coding change: c.73G>A on transcript NM_015450.3 (MANE Select); coding-DNA position 73, G replaced by A.
Protein change: p.Val25Ile; replaces valine 25 with isoleucine.
Molecular consequence: missense variant. On other transcripts: 5 prime UTR variant (1), non-coding transcript variant (3).
Genome position (GRCh38, 1-based): chr7:124,892,317, C>T on the plus strand (G>A on the coding strand, the complement: POT1 is on the minus strand). VCF-style: chr7-124892317-C-T. GRCh37 (hg19) VCF-style: chr7-124532371-C-T.
Other names: c.-190G>A (NM_001042594.2); short protein forms V25I.
Identifiers: ClinVar variation 475098 (VCV000475098.24), dbSNP rs375825837, ClinGen allele CA4465509.